The following is an entry in ClinVar:

ClinVar aggregate classification (germline): Uncertain significance. Review status: criteria provided, multiple submitters, no conflicts (2 of 4 stars). 2 submissions from 2 submitters: Uncertain significance (2). Last evaluated 2026-07-06.

Conditions:
Oligodontia-cancer predisposition syndrome. Also called: TOOTH AGENESIS-COLORECTAL CANCER SYNDROME. Identifiers: Orphanet 300576, MedGen C1837750, MONDO:0012075, OMIM 608615. Disease mechanism: loss of function.
Hereditary cancer-predisposing syndrome. Also called: Hereditary Cancer Syndrome; Hereditary neoplastic syndrome; Neoplastic Syndromes, Hereditary; Tumor predisposition. Identifiers: Orphanet 140162, MedGen C0027672, MeSH D009386, MONDO:0015356.

Submissions (2):

Ambry Genetics
Classification: Uncertain significance for Hereditary cancer-predisposing syndrome. Last evaluated: 2026-07-06. Review status: criteria provided, single submitter. Criteria: Ambry Variant Classification Scheme 2023. Collection method: clinical testing. Allele origin: germline.
Comment: The p.S762R variant (also known as c.2286T>G), located in coding exon 9 of the AXIN2 gene, results from a T to G substitution at nucleotide position 2286. The serine at codon 762 is replaced by arginine, an amino acid with dissimilar properties. This amino acid position is conserved. In addition, this alteration is predicted to be tolerated by in silico analysis. Based on the available evidence, the clinical significance of this variant remains unclear.

Labcorp Genetics (formerly Invitae), Labcorp
Classification: Uncertain significance for Oligodontia-cancer predisposition syndrome. Last evaluated: 2025-09-03. Review status: criteria provided, single submitter. Criteria: Invitae Variant Classification Sherloc (09022015). Collection method: clinical testing. Allele origin: germline.
Comment: This sequence change replaces serine, which is neutral and polar, with arginine, which is basic and polar, at codon 762 of the AXIN2 protein (p.Ser762Arg). This variant is not present in population databases (gnomAD no frequency). This variant has not been reported in the literature in individuals affected with AXIN2-related conditions. Invitae Evidence Modeling of protein sequence and biophysical properties (such as structural, functional, and spatial information, amino acid conservation, physicochemical variation, residue mobility, and thermodynamic stability) indicates that this missense variant is not expected to disrupt AXIN2 protein function with a negative predictive value of 80%. In summary, the available evidence is currently insufficient to determine the role of this variant in disease. Therefore, it has been classified as a Variant of Uncertain Significance.

NM_004655.4(AXIN2):c.2286T>G (p.Ser762Arg)

Gene: AXIN2 (axin 2; minus strand). Cytogenetic location: 17q24.1.
Variant type: single nucleotide variant.
Coding change: c.2286T>G on transcript NM_004655.4 (MANE Select); coding-DNA position 2286, T replaced by G.
Protein change: p.Ser762Arg; replaces serine 762 with arginine.
Molecular consequence: missense variant.
Genome position (GRCh38, 1-based): chr17:65,534,031, A>C on the plus strand (T>G on the coding strand, the complement: AXIN2 is on the minus strand). VCF-style: chr17-65534031-A-C. GRCh37 (hg19) VCF-style: chr17-63530149-A-C.
Other names: c.2091T>G, p.Ser697Arg (NM_001363813.1); short protein forms S697R, S762R.
Identifiers: ClinVar variation 4740879 (VCV004740879.2).